The following is an entry in ClinVar:

ClinVar aggregate classification (germline): Uncertain significance. Review status: criteria provided, multiple submitters, no conflicts (2 of 4 stars). 2 submissions from 2 submitters: Uncertain significance (2). Last evaluated 2024-05-01.

Conditions:
Familial melanoma. Also called: Hereditary melanoma; Hereditary cutaneous melanoma. Identifiers: Orphanet 618, MedGen C1512419, MONDO:0018961.
Hereditary cancer-predisposing syndrome. Also called: Neoplastic Syndromes, Hereditary; Tumor predisposition; Hereditary Cancer Syndrome; Hereditary neoplastic syndrome. Identifiers: Orphanet 140162, MedGen C0027672, MeSH D009386, MONDO:0015356.

Allele frequency attached by ClinVar (database versions not stated): gnomAD exomes below 0.00001; TOPMed below 0.00001.

Submissions (2):

Ambry Genetics
Classification: Uncertain significance for Hereditary cancer-predisposing syndrome. Last evaluated: 2024-05-01. Review status: criteria provided, single submitter. Criteria: Ambry Variant Classification Scheme 2023. Collection method: clinical testing. Allele origin: germline.
Comment: The p.P194L variant (also known as c.581C>T), located in coding exon 4 of the CDK4 gene, results from a C to T substitution at nucleotide position 581. The proline at codon 194 is replaced by leucine, an amino acid with similar properties. This amino acid position is highly conserved in available vertebrate species. In addition, the in silico prediction for this alteration is inconclusive. Since supporting evidence is limited at this time, the clinical significance of this alteration remains unclear.

Labcorp Genetics (formerly Invitae), Labcorp
Classification: Uncertain significance for Familial melanoma. Last evaluated: 2023-10-16. Review status: criteria provided, single submitter. Criteria: Invitae Variant Classification Sherloc (09022015). Collection method: clinical testing. Allele origin: germline.
Comment: This sequence change replaces proline, which is neutral and non-polar, with leucine, which is neutral and non-polar, at codon 194 of the CDK4 protein (p.Pro194Leu). This variant is present in population databases (no rsID available, gnomAD 0.002%). This variant has not been reported in the literature in individuals affected with CDK4-related conditions. ClinVar contains an entry for this variant (Variation ID: 483290). Advanced modeling of protein sequence and biophysical properties (such as structural, functional, and spatial information, amino acid conservation, physicochemical variation, residue mobility, and thermodynamic stability) performed at Invitae indicates that this missense variant is not expected to disrupt CDK4 protein function. In summary, the available evidence is currently insufficient to determine the role of this variant in disease. Therefore, it has been classified as a Variant of Uncertain Significance.

NM_000075.4(CDK4):c.581C>T (p.Pro194Leu)

Gene: CDK4 (cyclin dependent kinase 4; minus strand). Cytogenetic location: 12q14.1.
Variant type: single nucleotide variant.
Coding change: c.581C>T on transcript NM_000075.4 (MANE Select); coding-DNA position 581, C replaced by T.
Protein change: p.Pro194Leu; replaces proline 194 with leucine.
Molecular consequence: missense variant.
Genome position (GRCh38, 1-based): chr12:57,750,707, G>A on the plus strand (C>T on the coding strand, the complement: CDK4 is on the minus strand). VCF-style: chr12-57750707-G-A. GRCh37 (hg19) VCF-style: chr12-58144490-G-A.
Other names: short protein forms P194L.
Identifiers: ClinVar variation 483290 (VCV000483290.12), dbSNP rs1198423952, ClinGen allele CA385545785.